The following is an entry in ClinVar:

NM_000089.4(COL1A2):c.1765-5T>C

Gene: COL1A2 (collagen type I alpha 2 chain; plus strand). Cytogenetic location: 7q21.3.
Variant type: single nucleotide variant.
Coding change: c.1765-5T>C on transcript NM_000089.4 (MANE Select); 5 bases into the intron before coding-DNA position 1765, T replaced by C.
Molecular consequence: intron variant.
Genome position (GRCh38, 1-based): chr7:94,416,400, T>C. VCF-style: chr7-94416400-T-C. GRCh37 (hg19) VCF-style: chr7-94045712-T-C.
Identifiers: ClinVar variation 1431840 (VCV001431840.9), dbSNP rs2115916781, ClinGen allele CA2573142435.

ClinVar aggregate classification (germline): Conflicting classifications of pathogenicity. Review status: criteria provided, conflicting classifications (1 of 4 stars). 2 submissions from 2 submitters: Uncertain significance (1); Likely benign (1). Last evaluated 2026-08-27.

Conditions:
Cardiovascular phenotype. Identifiers: MedGen CN230736.
Osteogenesis imperfecta type I (OI1). Also called: Osteogenesis imperfecta type 1; Lobstein disease; Classic Non-deforming Osteogenesis Imperfecta with Blue Sclerae; Lobstein's Disease; OI, TYPE I; OSTEOGENESIS IMPERFECTA TARDA. Identifiers: Orphanet 216796, Orphanet 666, MedGen C0023931, MONDO:0008146, OMIM 166200. Disease mechanism: loss of function.
Ehlers-Danlos syndrome, classic type, 1 (EDSCL1). Also called: Ehlers-Danlos Syndrome, Classic Type, COL5A1-Related; Ehlers-Danlos syndrome, type 1; EDS I; EHLERS-DANLOS SYNDROME, GRAVIS TYPE; EHLERS-DANLOS SYNDROME, SEVERE CLASSIC TYPE. Identifiers: MedGen C0268335, MONDO:0019567, OMIM 130000.

Allele frequency attached by ClinVar (database versions not stated): gnomAD exomes 0.00001.

Submissions (2):

Ambry Genetics
Classification: Uncertain significance for Cardiovascular phenotype. Last evaluated: 2026-08-27. Review status: criteria provided, single submitter. Criteria: Ambry Variant Classification Scheme 2023. Collection method: clinical testing. Allele origin: germline.
Comment: The c.1765-5T>C intronic variant results from a T to C substitution 5 nucleotides upstream from coding exon 31 in the COL1A2 gene. This nucleotide position is not well conserved in available vertebrate species. In silico splice site analysis predicts that this alteration will not have any significant effect on splicing. Based on the available evidence, the clinical significance of this variant remains unclear.

Labcorp Genetics (formerly Invitae), Labcorp
Classification: Likely benign for Osteogenesis imperfecta type I; Ehlers-Danlos syndrome, classic type, 1. Last evaluated: 2025-02-26. Review status: criteria provided, single submitter. Criteria: Invitae Variant Classification Sherloc (09022015). Collection method: clinical testing. Allele origin: germline.